The following is an entry in ClinVar:

ClinVar aggregate classification (germline): Uncertain significance (1 of 4 stars; one submission).

Submission:

GeneDx
Classification: Uncertain significance. Last evaluated: 2024-07-03. Review status: criteria provided, single submitter. Criteria: GeneDx Variant Classification Process June 2021. Collection method: clinical testing. Allele origin: germline. Affected: yes.
Comment: Frameshift variant predicted to result in abnormal protein length as the last 8 amino acids are replaced with 14 different amino acids; Not observed at significant frequency in large population cohorts (gnomAD); Has not been previously published as pathogenic or benign to our knowledge

NM_004004.6(GJB2):c.655del (p.Ser219fs)

Gene: GJB2 (gap junction protein beta 2; minus strand). Cytogenetic location: 13q12.11.
Variant type: Deletion.
Coding change: c.655del on transcript NM_004004.6 (MANE Select); coding-DNA position 655, one base deleted (T; older notation c.655delT).
Protein change: p.Ser219fs; shifts the reading frame from serine 219.
Molecular consequence: frameshift variant.
Genome position (GRCh38, 1-based): chr13:20,188,927, A deleted on the plus strand (T on the coding strand, the reverse complement: GJB2 is on the minus strand); the first of 2 consecutive A bases (chr13:20,188,927-20,188,928); deleting either gives the same sequence. VCF-style (leftmost placement, unchanged base first): chr13-20188926-GA-G. GRCh37 (hg19) VCF-style: chr13-20763065-GA-G.
Other names: short protein forms S219fs.
Identifiers: ClinVar variation 3393743 (VCV003393743.1).